The following is an entry in ClinVar:

NM_001024630.4(RUNX2):c.216G>C (p.Glu72Asp)

Genes: RUNX2 (RUNX family transcription factor 2; plus strand), LOC109611589 (runt related transcription factor 2 polyalanine expansion region; plus strand). Cytogenetic location: 6p21.1.
Variant type: single nucleotide variant.
Coding change: c.216G>C on transcript NM_001024630.4 (MANE Select); coding-DNA position 216, G replaced by C.
Protein change: p.Glu72Asp; replaces glutamic acid 72 with aspartic acid.
Molecular consequence: missense variant.
Genome position (GRCh38, 1-based): chr6:45,422,750, G>C. VCF-style: chr6-45422750-G-C. GRCh37 (hg19) VCF-style: chr6-45390487-G-C.
Other names: c.216G>C (NM_001024630.3); c.216G>C, p.Glu72Asp (NM_001015051.4); c.174G>C, p.Glu58Asp (NM_001278478.2, NM_001369405.1); short protein forms E72D, E58D.
Identifiers: ClinVar variation 1443625 (VCV001443625.7), dbSNP rs767984534, ClinGen allele CA3836316.

ClinVar aggregate classification (germline): Uncertain significance. Review status: criteria provided, multiple submitters, no conflicts (2 of 4 stars). 2 submissions from 2 submitters: Uncertain significance (2). Last evaluated 2024-11-09.

Conditions:
Inborn genetic diseases. Identifiers: MedGen C0950123, MeSH D030342.

Allele frequency attached by ClinVar (database versions not stated): TOPMed 0.00008; gnomAD 0.00010.
gnomAD v4.1: 216 of 1,332,720 alleles (0.016%); highest among the groups gnomAD compares: Non-Finnish European, 0.02%; no homozygotes.

Submissions (2):

Ambry Genetics
Classification: Uncertain significance for Inborn genetic diseases. Last evaluated: 2024-11-09. Review status: criteria provided, single submitter. Criteria: Ambry Variant Classification Scheme 2023. Collection method: clinical testing. Allele origin: germline.

Labcorp Genetics (formerly Invitae), Labcorp
Classification: Uncertain significance. Last evaluated: 2023-10-17. Review status: criteria provided, single submitter. Criteria: Invitae Variant Classification Sherloc (09022015). Collection method: clinical testing. Allele origin: germline.
Comment: This sequence change replaces glutamic acid, which is acidic and polar, with aspartic acid, which is acidic and polar, at codon 72 of the RUNX2 protein (p.Glu72Asp). The frequency data for this variant in the population databases is considered unreliable, as metrics indicate poor data quality at this position in the gnomAD database. This variant has not been reported in the literature in individuals affected with RUNX2-related conditions. ClinVar contains an entry for this variant (Variation ID: 1443625). An algorithm developed to predict the effect of missense changes on protein structure and function (PolyPhen-2) suggests that this variant is likely to be tolerated. In summary, the available evidence is currently insufficient to determine the role of this variant in disease. Therefore, it has been classified as a Variant of Uncertain Significance.